The following is an entry in ClinVar:

NM_024592.5(SRD5A3):c.736G>T (p.Asp246Tyr)

Genes: SRD5A3 (steroid 5 alpha-reductase 3; plus strand), SRD5A3-AS1 (SRD5A3 antisense RNA 1; minus strand). Cytogenetic location: 4q12.
Variant type: single nucleotide variant.
Coding change: c.736G>T on transcript NM_024592.5 (MANE Select); coding-DNA position 736, G replaced by T.
Protein change: p.Asp246Tyr; replaces aspartic acid 246 with tyrosine.
Molecular consequence: missense variant.
Genome position (GRCh38, 1-based): chr4:55,369,870, G>T. VCF-style: chr4-55369870-G-T. GRCh37 (hg19) VCF-style: chr4-56236037-G-T.
Other names: c.601G>T, p.Asp201Tyr (NM_001410732.1); short protein forms D201Y, D246Y.
Identifiers: ClinVar variation 3361007 (VCV003361007.1).

ClinVar aggregate classification (germline): Uncertain significance (1 of 4 stars; one submission).

Submission:

GeneDx
Classification: Uncertain significance. Last evaluated: 2023-08-01. Review status: criteria provided, single submitter. Criteria: GeneDx Variant Classification Process June 2021. Collection method: clinical testing. Allele origin: germline. Affected: yes.
Comment: Not observed at significant frequency in large population cohorts (gnomAD); In silico analysis supports that this missense variant has a deleterious effect on protein structure/function; Has not been previously published as pathogenic or benign to our knowledge